The following is an entry in ClinVar:

NM_002691.4(POLD1):c.2450_2462dup (p.His821fs)

Gene: POLD1 (DNA polymerase delta 1, catalytic subunit; plus strand). Cytogenetic location: 19q13.33.
Variant type: Duplication.
Coding change: c.2450_2462dup on transcript NM_002691.4 (MANE Select); coding-DNA positions 2450 to 2462, 13 bases duplicated (GGCCCGACGCCCA).
Protein change: p.His821fs; shifts the reading frame from histidine 821.
Molecular consequence: frameshift variant. On other transcripts: non-coding transcript variant (1).
Genome position (GRCh38, 1-based): chr19:50,414,876-50,414,888, GGCCCGACGCCCA duplicated. VCF-style (leftmost placement, unchanged base first): chr19-50414875-C-CGGCCCGACGCCCA. GRCh37 (hg19) VCF-style: chr19-50918132-C-CGGCCCGACGCCCA.
Other names: c.2450_2462dup, p.His821fs (NM_001256849.1); c.2528_2540dup, p.His847fs (NM_001308632.1); short protein forms H821fs, H847fs.
Identifiers: ClinVar variation 408021 (VCV000408021.6), dbSNP rs1555792840, ClinGen allele CA16616392.

ClinVar aggregate classification (germline): Uncertain significance (1 of 4 stars; one submission).

Conditions:
POLD1-related polyposis and colorectal cancer syndrome (CRCS10). Also called: Colorectal cancer, susceptibility to, 10; Colorectal cancer 10; COLORECTAL CANCER, SUSCEPTIBILITY TO, ON CHROMOSOME 19q. Identifiers: Orphanet 220460, MedGen C2675481, MONDO:0012953, OMIM 612591.

Submission:

Labcorp Genetics (formerly Invitae), Labcorp
Classification: Uncertain significance for POLD1-related polyposis and colorectal cancer syndrome. Last evaluated: 2016-06-14. Review status: criteria provided, single submitter. Criteria: Invitae Variant Classification Sherloc (09022015). Collection method: clinical testing. Allele origin: germline.
Comment: For these reasons, this change has been classified as a Variant of Uncertain Significance While this particular variant has not been reported in the literature, truncating variants in POLD1 are not necessarily pathogenic (PMID: 26133394, 23263490), and the clinical significance of this variant is uncertain at this time. This sequence change inserts 13 nucleotide in exon 20 of the POLD1 mRNA (c.2450_2462dupGGCCCGACGCCCA), causing a frameshift at codon 821. This creates a premature translational stop signal (p.His821Glnfs*42) and is expected to result in an absent or disrupted protein product.

Literature cited by the submitters: PubMed 26133394; PubMed 23263490.